The following is an entry in ClinVar:

ClinVar aggregate classification (germline): Likely benign (1 of 4 stars; one submission).

Conditions:
Cardiomyopathy (CMYO). Also called: Cardiomyopathies. Identifiers: Orphanet 167848, MedGen C0878544, MONDO:0004994, HP:0001638. Inheritance: Various modes of inheritance.

Submission:

All of Us Research Program, National Institutes of Health
Classification: Likely benign for Cardiomyopathy. Last evaluated: 2023-06-26. Review status: criteria provided, single submitter. Criteria: ACMG Guidelines, 2015. Collection method: clinical testing. Allele origin: germline. Inheritance: Autosomal dominant inheritance. Observed: 1 variant allele, 1 heterozygote.
Comment: This study involves interpretation of variants in research participants for the purpose of population health screening. Participant phenotype was not available at the time of variant classification. Additional details can be found in publication PMID: 35346344, PMCID: PMC8962531

NM_000257.4(MYH7):c.1806T>C (p.Asn602=)

Gene: MYH7 (myosin heavy chain 7; minus strand). Cytogenetic location: 14q11.2.
Variant type: single nucleotide variant.
Coding change: c.1806T>C on transcript NM_000257.4 (MANE Select); coding-DNA position 1806, T replaced by C.
Protein change: p.Asn602=; no amino-acid change (asparagine 602 retained).
Molecular consequence: synonymous variant.
Genome position (GRCh38, 1-based): chr14:23,427,667, A>G on the plus strand (T>C on the coding strand, the complement: MYH7 is on the minus strand). VCF-style: chr14-23427667-A-G. GRCh37 (hg19) VCF-style: chr14-23896876-A-G.
Other names: c.1806T>C, p.Asn602= (NM_001407004.1).
Identifiers: ClinVar variation 3072268 (VCV003072268.1), dbSNP rs2138672051, ClinGen allele CA485767200.
Genomic context (GRCh38, chr14:23,427,667, plus strand): 5'-GGCAAACAGGGTGCTGAGCAGCTTGAGGGAAGACTTCTGATACAAGCCCACGACAGTCTC[A>G]TTGAGAGGATCCTTGTTCTTCTGCAGCCAGCCAATGATGTTGTAGTCCACGATGCCGGCA-3'
Protein context (NP_000248.2, residues 592-612): GWLQKNKDPL[Asn602=]ETVVGLYQKS